The following is an entry in ClinVar:

NM_000038.6(APC):c.1531G>T (p.Gly511Ter)

Gene: APC (APC regulator of Wnt signaling pathway; plus strand). Cytogenetic location: 5q22.2.
Variant type: single nucleotide variant.
Coding change: c.1531G>T on transcript NM_000038.6 (MANE Select); coding-DNA position 1531, G replaced by T.
Protein change: p.Gly511Ter; replaces glycine 511 with a stop codon.
Molecular consequence: nonsense.
Genome position (GRCh38, 1-based): chr5:112,827,230, G>T. VCF-style: chr5-112827230-G-T. GRCh37 (hg19) VCF-style: chr5-112162927-G-T.
Other names: c.1531G>T, p.Gly511Ter (NM_001127510.3, NM_001354895.2); c.1477G>T, p.Gly493Ter (NM_001127511.3); c.1585G>T, p.Gly529Ter (NM_001354896.2); c.1561G>T, p.Gly521Ter (NM_001354897.2); c.1456G>T, p.Gly486Ter (NM_001354898.2); c.1447G>T, p.Gly483Ter (NM_001354899.2); c.1408G>T, p.Gly470Ter (NM_001354900.2); c.1354G>T, p.Gly452Ter (NM_001354901.2); and 5 more; short protein forms G493*, G511*, G228*, G521*, G351*, G486*, G385*, G420*.
Identifiers: ClinVar variation 230854 (VCV000230854.11), dbSNP rs876658811, ClinGen allele CA10578317.

ClinVar aggregate classification (germline): Pathogenic. Review status: criteria provided, multiple submitters, no conflicts (2 of 4 stars). 2 submissions from 2 submitters: Pathogenic (2). Last evaluated 2021-01-18.

Conditions:
Hereditary cancer-predisposing syndrome. Also called: Neoplastic Syndromes, Hereditary; Tumor predisposition; Hereditary Cancer Syndrome; Hereditary neoplastic syndrome. Identifiers: Orphanet 140162, MedGen C0027672, MeSH D009386, MONDO:0015356.
Familial adenomatous polyposis 1 (FAP1). Also called: FAMILIAL ADENOMATOUS POLYPOSIS 1, ATTENUATED; POLYPOSIS, ADENOMATOUS INTESTINAL. Identifiers: MedGen C2713442, MONDO:0021056, OMIM 175100. Disease mechanism: loss of function.

Submissions (2):

Labcorp Genetics (formerly Invitae), Labcorp
Classification: Pathogenic for Familial adenomatous polyposis 1. Last evaluated: 2021-01-18. Review status: criteria provided, single submitter. Criteria: Invitae Variant Classification Sherloc (09022015). Collection method: clinical testing. Allele origin: germline.
Comment: This sequence change creates a premature translational stop signal (p.Gly511*) in the APC gene. It is expected to result in an absent or disrupted protein product. Loss-of-function variants in APC are known to be pathogenic (PMID: 17963004, 20685668). This variant is not present in population databases (ExAC no frequency). This variant has not been reported in the literature in individuals with APC-related conditions. ClinVar contains an entry for this variant (Variation ID: 230854). For these reasons, this variant has been classified as Pathogenic.

Ambry Genetics
Classification: Pathogenic for Hereditary cancer-predisposing syndrome. Last evaluated: 2019-07-12. Review status: criteria provided, single submitter. Criteria: Ambry Variant Classification Scheme 2023. Collection method: clinical testing. Allele origin: germline.
Comment: The p.G511* pathogenic mutation (also known as c.1531G>T), located in coding exon 11 of the APC gene, results from a G to T substitution at nucleotide position 1531. This changes the amino acid from a glycine to a stop codon within coding exon 11. This alteration is expected to result in loss of function by premature protein truncation or nonsense-mediated mRNA decay. As such, this alteration is interpreted as a disease-causing mutation.

Literature cited by the submitters: PubMed 17963004 (cited by Labcorp Genetics (formerly Invitae), Labcorp); PubMed 20685668 (cited by Labcorp Genetics (formerly Invitae), Labcorp).